The following is an entry in ClinVar:

NM_004370.6(COL12A1):c.9187G>A (p.Gly3063Ser)

Gene: COL12A1 (collagen type XII alpha 1 chain; minus strand). Cytogenetic location: 6q13.
Variant type: single nucleotide variant.
Coding change: c.9187G>A on transcript NM_004370.6 (MANE Select); coding-DNA position 9187, G replaced by A.
Protein change: p.Gly3063Ser; replaces glycine 3063 with serine.
Molecular consequence: missense variant.
Genome position (GRCh38, 1-based): chr6:75,086,552, C>T on the plus strand (G>A on the coding strand, the complement: COL12A1 is on the minus strand). VCF-style: chr6-75086552-C-T. GRCh37 (hg19) VCF-style: chr6-75796268-C-T.
Other names: c.5695G>A, p.Gly1899Ser (NM_080645.3); short protein forms G3063S, G1899S.
Identifiers: ClinVar variation 566830 (VCV000566830.15), dbSNP rs746453262, ClinGen allele CA3891981.
Genomic context (GRCh38, chr6:75,086,552, plus strand): 5'-AACAGGATTTTCATGTATTCAAACTGTAAGCAGCACTGGCGACTTAGAAAATGTGTTAGC[C>T]GGAACCTGAAACAGGTCAAAGATGATAGTTTTTAAAAGTTGAATGACTAAGTAAAAAATA-3'
Protein context (NP_004361.3, residues 3053-3063): PYNGQGYPGS[Gly3063Ser]

ClinVar aggregate classification (germline): Conflicting classifications of pathogenicity. Review status: criteria provided, conflicting classifications (1 of 4 stars). 4 submissions from 4 submitters: Uncertain significance (3); Likely benign (1). Last evaluated 2025-11-12.

Conditions:
Inborn genetic diseases. Identifiers: MedGen C0950123, MeSH D030342.
Ullrich congenital muscular dystrophy 2 (UCMD2). Identifiers: Orphanet 75840, MedGen C4225314, MONDO:0014654, OMIM 616470.
Bethlem myopathy 2 (BTHLM2). Identifiers: Orphanet 536516, Orphanet 610, MedGen C4225313, MONDO:0034022, OMIM 616471.

Allele frequency attached by ClinVar (database versions not stated): gnomAD 0.00003 and 0.00004; gnomAD exomes 0.00004; TOPMed 0.00002; ExAC 0.00004.
gnomAD v4.1: 70 of 1,600,800 alleles (0.0044%); highest among the groups gnomAD compares: South Asian, 0.0056%; 1 homozygote.

Submissions (4):

Labcorp Genetics (formerly Invitae), Labcorp
Classification: Likely benign for Bethlem myopathy 2; Ullrich congenital muscular dystrophy 2. Last evaluated: 2025-11-12. Review status: criteria provided, single submitter. Criteria: Invitae Variant Classification Sherloc (09022015). Collection method: clinical testing. Allele origin: germline.

GeneDx
Classification: Uncertain significance. Last evaluated: 2025-01-24. Review status: criteria provided, single submitter. Criteria: GeneDx Variant Classification Process June 2021. Collection method: clinical testing. Allele origin: germline.
Comment: Has not been previously published as pathogenic or benign to our knowledge; In silico analysis indicates that this missense variant does not alter protein structure/function

Ambry Genetics
Classification: Uncertain significance for Inborn genetic diseases. Last evaluated: 2023-05-23. Review status: criteria provided, single submitter. Criteria: Ambry Variant Classification Scheme 2023. Collection method: clinical testing. Allele origin: germline.

Revvity Omics, Revvity
Classification: Uncertain significance. Last evaluated: 2022-05-12. Review status: criteria provided, single submitter. Criteria: ACMG Guidelines, 2015. Collection method: clinical testing. Allele origin: germline.